The following is an entry in ClinVar:

ClinVar aggregate classification (germline): Uncertain significance (1 of 4 stars; one submission).

gnomAD v4.1: 1 of 1,614,014 alleles (0.000062%); no homozygotes.

Submission:

Dasa
Classification: Uncertain significance. Last evaluated: 2026-02-23. Review status: criteria provided, single submitter. Criteria: DASA Assertion Criteria. Collection method: clinical testing. Allele origin: germline.
Comment: NM_006254.4(PRKCD):c.2023G>T (p.Glu675*) is a nonsense variant in PRKCD predicted to introduce a premature termination codon and is predicted to result in an absent or altered protein product. This variant is rare in population databases. The currently available literature and clinical evidence are not sufficient to establish a definitive association between this variant and the reported condition. Therefore, this variant is classified as a variant of uncertain significance.

NM_006254.4(PRKCD):c.2023G>T (p.Glu675Ter)

Genes: PRKCD (protein kinase C delta; plus strand), LOC129936899 (ATAC-STARR-seq lymphoblastoid active region 19967; plus strand). Cytogenetic location: 3p21.1.
Variant type: single nucleotide variant.
Coding change: c.2023G>T on transcript NM_006254.4 (MANE Select); coding-DNA position 2023, G replaced by T.
Protein change: p.Glu675Ter; replaces glutamic acid 675 with a stop codon.
Molecular consequence: nonsense.
Genome position (GRCh38, 1-based): chr3:53,192,258, G>T. VCF-style: chr3-53192258-G-T. GRCh37 (hg19) VCF-style: chr3-53226274-G-T.
Other names: c.2023G>T, p.Glu675Ter (NM_001316327.2, NM_001354679.2, NM_001354680.2 and 1 more transcripts); c.2080G>T, p.Glu694Ter (NM_001354676.2); c.2071G>T, p.Glu691Ter (NM_001354678.2); short protein forms E675*, E691*, E694*.
Identifiers: ClinVar variation 4885435 (VCV004885435.2).